The following is an entry in ClinVar:

ClinVar aggregate classification (germline): Uncertain significance (1 of 4 stars; one submission).

Submission:

Labcorp Genetics (formerly Invitae), Labcorp
Classification: Uncertain significance. Last evaluated: 2021-08-19. Review status: criteria provided, single submitter. Criteria: Invitae Variant Classification Sherloc (09022015). Collection method: clinical testing. Allele origin: germline.
Comment: This sequence change affects the initiator methionine of the CARD8 mRNA. The next in-frame methionine is located at codon 226. The frequency data for this variant in the population databases is considered unreliable, as metrics indicate insufficient coverage at this position in the ExAC database. This variant has not been reported in the literature in individuals affected with CARD8-related conditions. Experimental studies and prediction algorithms are not available or were not evaluated, and the functional significance of this variant is currently unknown. In summary, the available evidence is currently insufficient to determine the role of this variant in disease. Therefore, it has been classified as a Variant of Uncertain Significance.

NM_001184900.3(CARD8):c.2T>C (p.Met1Thr)

Gene: CARD8 (caspase recruitment domain family member 8; minus strand). Cytogenetic location: 19q13.33.
Variant type: single nucleotide variant.
Coding change: c.2T>C on transcript NM_001184900.3 (MANE Select); coding-DNA position 2, T replaced by C.
Protein change: p.Met1Thr; changes the start codon (methionine 1).
Molecular consequence: missense variant, initiator codon variant. On other transcripts: 5 prime UTR variant (7), non-coding transcript variant (4).
Genome position (GRCh38, 1-based): chr19:48,241,019, A>G on the plus strand (T>C on the coding strand, the complement: CARD8 is on the minus strand). VCF-style: chr19-48241019-A-G. GRCh37 (hg19) VCF-style: chr19-48744276-A-G.
Other names: c.2T>C, p.Met1Thr (NM_001184903.1, NM_001184904.2, NM_001351782.2 and 6 more transcripts); c.-123T>C (NM_001351784.2, NM_001351787.2, NM_001351791.2 and 2 more transcripts); c.-337T>C (NM_001351786.2); c.-201T>C (NM_001351790.2); short protein forms M1T.
Identifiers: ClinVar variation 1376419 (VCV001376419.6), dbSNP rs2146672566, ClinGen allele CA406648723.